The following continues an entry in ClinVar:

NM_207346.3(TSEN54):c.919G>T (p.Ala307Ser)

ClinVar aggregate classification (germline): Pathogenic/Likely pathogenic. Pathogenic (40); Likely pathogenic (1).

Submissions 9 to 27 of 57:

3billion
Classification: Pathogenic for TSEN54-related disorder. Last evaluated: 2025-12-11. Review status: criteria provided, single submitter. Criteria: ACMG Guidelines, 2015. Collection method: clinical testing. Allele origin: germline. Affected: yes.
Comment: The variant is observed at an extremely low frequency in the gnomAD v4.1.0 dataset (total allele frequency: 0.131%). Predicted Consequence/Location: Missense variant. The majority of the known disease-causing variants of this gene are variants expected to result in premature termination of the protein. In silico tools predict the variant to alter splicing and produce an abnormal transcript [SpliceAI: 0.52 (>=0.2, moderate evidence for spliceogenicity)]. The same nucleotide change resulting in the same amino acid change has been previously reported as pathogenic/likely pathogenic with strong evidence (ClinVar ID: VCV000002120 /PMID: 18711368 /3billion dataset). The variant has been observed in multiple (>3) similarly affected unrelated individuals (PMID: 18711368, 20803644, 20952379, 20956791, 21609947, 24886362, 26701950, 27430971, 29410950). The variant has been reported to be in trans with a pathogenic variant as either compound heterozygous or homozygous in at least 4 similarly affected unrelated individuals (PMID: 18711368, 20952379, 20956791, 21609947). The variant has been reported to co-segregate with the disease in at least 3 similarly affected relatives/individuals in the same family or similarly affected unrelated families (PMID: 18711368, 20803644, 29410950). Therefore, this variant is classified as Pathogenic according to the recommendation of ACMG/AMP guideline.

Keimyung University Dongsan Hospital, Keimyung University School of Medicine
Classification: Pathogenic for Huppke-Brendel syndrome. Last evaluated: 2025-11-24. Review status: criteria provided, single submitter. Criteria: ACMG Guidelines, 2015. Collection method: clinical testing. Allele origin: germline. Inheritance: Autosomal recessive inheritance. Affected: yes. Observed: 1 compound heterozygote.
Comment: The TSEN54 c.919G>T (p.Gly307Cys) variant is a missense change affecting a highly conserved residue. It has been previously reported in multiple individuals with pontocerebellar hypoplasia (PCH). Functional studies demonstrate impaired tRNA splicing complex activity. Population databases show extremely low frequency. Classified as Pathogenic based on ACMG/AMP criteria: PS3, PS4, PM1, PM2, PP3.

Rady Children's Institute for Genomic Medicine, Rady Children's Hospital San Diego
Classification: Pathogenic for TSEN54 pontocerebellar hypoplasia. Last evaluated: 2025-09-11. Review status: criteria provided, single submitter. Criteria: ACMG Guidelines, 2015. Collection method: clinical testing. Allele origin: germline. Affected: yes.
Comment: The c.919G>T (p.Ala307Ser) variant affects a moderately conserved amino acid and in silico tools used to predict the effect of this variant on protein function yield discordant results. This is a known recurrent Pathogenic variant that has been previously reported as a homozygous or compound heterozygous change in patients with TSEN54 pontocerebellar hypoplasia, specifically the PCH2 subtype (PMID: 24886362, 20301773). Additionally, this variant has been shown to segregate with disease in more than 20 affected relatives from 10 families (PMID: 18711368, 20956791, 23307886, 21368912, 24886362). The c.919G>T (p.Ala307Ser) variant is present in the latest version of the gnomAD population database at an allele frequency of 0.1% (2086/1595388), and is absent in the homozygous state, thus is presumed to be rare. Based on the available evidence, c.919G>T (p.Ala307Ser) is classified as Pathogenic.

Laboratory of Genetics, Children's Clinical University Hospital Latvia
Classification: Pathogenic. Last evaluated: 2025-02-16. Review status: criteria provided, single submitter. Criteria: ACMG Guidelines, 2015. Collection method: clinical testing. Allele origin: germline. Affected: yes.

Ambry Genetics
Classification: Pathogenic for Inborn genetic diseases. Last evaluated: 2024-12-24. Review status: criteria provided, single submitter. Criteria: Ambry Variant Classification Scheme 2023. Collection method: clinical testing. Allele origin: germline.
Comment: The c.919G>T (p.A307S) alteration is located in coding exon 8 of the TSEN54 gene. This alteration results from a G to T substitution at nucleotide position 919, causing the alanine (A) at amino acid position 307 to be replaced by a serine (S). Based on data from gnomAD, the T allele has an overall frequency of 0.089% (213/240704) total alleles studied. The highest observed frequency was 0.173% (183/105724) of European (non-Finnish) alleles. This mutation is the most common variant causing TSEN54-related pontocerebellar hypoplasia, found in more than 90% of patients (Budde, 2008; Cassandrini, 2010; Namavar, 2011). This amino acid position is not well conserved in available vertebrate species. The in silico prediction for this alteration is inconclusive. Based on the available evidence, this alteration is classified as pathogenic.

Blueprint Genetics
Classification: Pathogenic for TSEN54-related disorders. Last evaluated: 2024-11-17. Review status: criteria provided, single submitter. Criteria: ACMG Guidelines, 2015. Collection method: clinical testing. Allele origin: germline. Affected: yes. Observed: 5 variant alleles.

Greenwood Genetic Center Diagnostic Laboratories, Greenwood Genetic Center
Classification: Pathogenic for Pontocerebellar hypoplasia type 5; Pontocerebellar hypoplasia type 2A; Pontocerebellar hypoplasia type 4. Last evaluated: 2024-10-18. Review status: criteria provided, single submitter. Criteria: ACMG Guidelines, 2015. Collection method: clinical testing. Allele origin: germline. Affected: yes.
Comment: PM3_Very Strong, PP1_Strong

Institute of Human Genetics Munich, TUM University Hospital
Classification: Pathogenic for Pontocerebellar hypoplasia type 2A. Last evaluated: 2024-06-05. Review status: criteria provided, single submitter. Criteria: Classification criteria August 2017. Collection method: clinical testing. Allele origin: inherited. Inheritance: Autosomal recessive inheritance. Affected: yes. Observed: 1 variant allele.

Institute of Human Genetics, University of Leipzig Medical Center
Classification: Pathogenic for Pontocerebellar hypoplasia type 2A. Last evaluated: 2024-06-05. Review status: criteria provided, single submitter. Criteria: ACMG Guidelines, 2015. Collection method: clinical testing. Allele origin: unknown. Inheritance: Autosomal recessive inheritance. Affected: yes.
Comment: Criteria applied: PM3_VSTR,PP1_STR,PM2_SUP,PP3

Fulgent Genetics
Classification: Pathogenic for Pontocerebellar hypoplasia type 4; Pontocerebellar hypoplasia type 2A; Pontocerebellar hypoplasia type 5. Last evaluated: 2024-03-08. Review status: criteria provided, single submitter. Criteria: ACMG Guidelines, 2015. Collection method: clinical testing. Allele origin: germline.

Institute of Immunology and Genetics Kaiserslautern
Classification: Pathogenic for Pontocerebellar hypoplasia type 2A. Last evaluated: 2024-02-16. Review status: criteria provided, single submitter. Criteria: ACMG Guidelines, 2015. Collection method: clinical testing. Allele origin: germline. Affected: no.
Comment: ACMG Criteria: PS3, PS4, PM3, PP1, PP5, Variant was found in heterozygous state

Baylor Genetics
Classification: Pathogenic for Pontocerebellar hypoplasia type 2A. Last evaluated: 2023-06-30. Review status: criteria provided, single submitter. Criteria: ACMG Guidelines, 2015. Collection method: clinical testing. Allele origin: unknown.

Department of Pathology and Laboratory Medicine, Sinai Health System
Classification: Pathogenic for Pontocerebellar hypoplasia type 4; Pontocerebellar hypoplasia type 2A; Pontocerebellar hypoplasia type 5. Last evaluated: 2023-03-13. Review status: criteria provided, single submitter. Criteria: ACMG Guidelines, 2015. Collection method: research. Allele origin: germline.

HudsonAlpha Institute for Biotechnology
Classification: Pathogenic for Pontocerebellar hypoplasia type 4. Last evaluated: 2022-04-20. Review status: criteria provided, single submitter. Criteria: ACMG Guidelines, 2015. Collection method: research. Allele origin: maternal. Affected: yes. Observed: 1 variant allele. Study: HudsonAlpha-AGHI-WGS.
Comment: ACMG codes: PS4, PM2, PM3, PP1, PP3

MGZ Medical Genetics Center
Classification: Pathogenic for Pontocerebellar hypoplasia type 2A. Last evaluated: 2022-02-23. Review status: criteria provided, single submitter. Criteria: ACMG Guidelines, 2015. Collection method: clinical testing. Allele origin: germline. Affected: yes. Observed: 6 variant alleles.
Comment: ACMG criteria applied: PM3_VSTR, PS4, PP1_STR, PM2_SUP

Provincial Medical Genetics Program of British Columbia, University of British Columbia
Classification: Pathogenic for Pontocerebellar hypoplasia type 4. Last evaluated: 2022-01-01. Review status: criteria provided, single submitter. Criteria: ACMG Guidelines, 2015. Collection method: clinical testing. Allele origin: biparental. Affected: yes.

Revvity Omics, Revvity
Classification: Pathogenic. Last evaluated: 2021-11-29. Review status: criteria provided, single submitter. Criteria: ACMG Guidelines, 2015. Collection method: clinical testing. Allele origin: germline.

GeneDx
Classification: Pathogenic. Last evaluated: 2020-12-18. Review status: criteria provided, single submitter. Criteria: GeneDx Variant Classification Process June 2021. Collection method: clinical testing. Allele origin: germline. Affected: yes.
Comment: In silico analysis supports that this missense variant does not alter protein structure/function; In-silico analysis is inconclusive as to whether the variant alters gene splicing. In the absence of RNA/functional studies, the actual effect of this sequence change is unknown.; This variant is associated with the following publications: (PMID: 30525188, 32360255, 24886362, 23177318, 26701950, 20952379, 18711368, 23307886, 27430971, 29410950, 29286531, 30792901, 31623504, 32404165, 30609409, 34426522, 31589614, 32629522, 31319225)

Institute of Human Genetics, University of Leipzig Medical Center
Classification: Pathogenic for Intellectual disability. Last evaluated: 2020-08-03. Review status: criteria provided, single submitter. Criteria: ACMG Guidelines, 2015. Collection method: clinical testing. Allele origin: biparental. Affected: yes.